The following is an entry in ClinVar:

NM_001042492.3(NF1):c.7004C>T (p.Thr2335Ile)

Gene: NF1 (neurofibromin 1; plus strand). Cytogenetic location: 17q11.2.
Variant type: single nucleotide variant.
Coding change: c.7004C>T on transcript NM_001042492.3 (MANE Select); coding-DNA position 7004, C replaced by T.
Protein change: p.Thr2335Ile; replaces threonine 2335 with isoleucine.
Molecular consequence: missense variant.
Genome position (GRCh38, 1-based): chr17:31,340,587, C>T. VCF-style: chr17-31340587-C-T. GRCh37 (hg19) VCF-style: chr17-29667605-C-T.
Other names: c.6941C>T, p.Thr2314Ile (NM_000267.4); short protein forms T2314I, T2335I.
Identifiers: ClinVar variation 2452314 (VCV002452314.2), dbSNP rs2151561796, ClinGen allele CA399015018.

ClinVar aggregate classification (germline): Uncertain significance (1 of 4 stars; one submission).

Conditions:
Hereditary cancer-predisposing syndrome. Also called: Neoplastic Syndromes, Hereditary; Tumor predisposition; Hereditary neoplastic syndrome; Hereditary Cancer Syndrome. Identifiers: Orphanet 140162, MedGen C0027672, MeSH D009386, MONDO:0015356.
Cardiovascular phenotype. Identifiers: MedGen CN230736.

Submission:

Ambry Genetics
Classification: Uncertain significance for Cardiovascular phenotype; Hereditary cancer-predisposing syndrome. Last evaluated: 2023-02-27. Review status: criteria provided, single submitter. Criteria: Ambry Variant Classification Scheme 2023. Collection method: clinical testing. Allele origin: germline.
Comment: The p.T2314I variant (also known as c.6941C>T), located in coding exon 46 of the NF1 gene, results from a C to T substitution at nucleotide position 6941. The threonine at codon 2314 is replaced by isoleucine, an amino acid with similar properties. This amino acid position is highly conserved in available vertebrate species. In addition, the in silico prediction for this alteration is inconclusive. Since supporting evidence is limited at this time, the clinical significance of this alteration remains unclear.